The following is an entry in ClinVar:

Conditions:
Breast-ovarian cancer, familial, susceptibility to, 1 (BROVCA1). Also called: BRCA1 Hereditary Breast and Ovarian Cancer; OVARIAN CANCER, SUSCEPTIBILITY TO. Identifiers: Orphanet 145, MedGen C2676676, MONDO:0011450, OMIM 604370. Disease mechanism: loss of function.

Submission:

Brotman Baty Institute, University of Washington
No classification provided (evidence only). Condition: Breast-ovarian cancer, familial 1. Review status: no classification provided. Collection method: in vitro. Allele origin: not applicable. Functional consequence: functionally_normal.
ClinVar note: "not provided" was previously submitted as the classification for the variant. However, the classification appeared to be based only on an observation of functional data so it was converted to no classification on 2025-07-30.

NM_007294.4(BRCA1):c.225A>C (p.Glu75Asp)

Gene: BRCA1 (BRCA1 DNA repair associated; minus strand). Cytogenetic location: 17q21.31.
Variant type: single nucleotide variant.
Coding change: c.225A>C on transcript NM_007294.4 (MANE Select); coding-DNA position 225, A replaced by C.
Protein change: p.Glu75Asp; replaces glutamic acid 75 with aspartic acid.
Molecular consequence: missense variant. On other transcripts: non-coding transcript variant (1).
Genome position (GRCh38, 1-based): chr17:43,104,944, T>G on the plus strand (A>C on the coding strand, the complement: BRCA1 is on the minus strand). VCF-style: chr17-43104944-T-G. GRCh37 (hg19) VCF-style: chr17-41256961-T-G.
Other names: c.15A>C, p.Glu5Asp (NM_001407571.1, NM_001407853.1, NM_001407879.1 and 58 more transcripts); c.225A>C, p.Glu75Asp (NM_001407581.1, NM_001407582.1, NM_001407583.1 and 168 more transcripts); c.147A>C, p.Glu49Asp (NM_001407653.1, NM_001407654.1, NM_001407655.1 and 21 more transcripts); c.84A>C, p.Glu28Asp (NM_001407692.1, NM_001407694.1, NM_001407695.1 and 99 more transcripts); c.-157A>C (NM_001407959.1, NM_001407960.1, NM_001407962.1 and 4 more transcripts); c.93A>C, p.Glu31Asp (NM_001408451.1); short protein forms E28D, E75D, E31D, E49D, E5D.
Identifiers: ClinVar variation 867361 (VCV000867361.3), dbSNP rs2054695634, ClinGen allele CA10601712.